The following is an entry in ClinVar:

ClinVar aggregate classification (germline): Uncertain significance (1 of 4 stars; one submission).

Conditions:
CHARGE syndrome (CHARGE). Also called: Hittner Hirsch Kreh syndrome; CHARGE ASSOCIATION--COLOBOMA, HEART ANOMALY, CHOANAL ATRESIA, RETARDATION, GENITAL AND EAR ANOMALIES; Coloboma, heart anomaly, choanal atresia, retardation, genital and ear anomalies; CHARGE association; Hall-Hittner syndrome. Identifiers: Orphanet 138, MedGen C0265354, MONDO:0008965.

Submission:

Labcorp Genetics (formerly Invitae), Labcorp
Classification: Uncertain significance for CHARGE syndrome. Last evaluated: 2020-04-17. Review status: criteria provided, single submitter. Criteria: Invitae Variant Classification Sherloc (09022015). Collection method: clinical testing. Allele origin: germline.
Comment: This sequence change replaces histidine with tyrosine at codon 1801 of the CHD7 protein (p.His1801Tyr). The histidine residue is highly conserved and there is a moderate physicochemical difference between histidine and tyrosine. This variant is not present in population databases (ExAC no frequency). This variant has not been reported in the literature in individuals with CHD7-related conditions. Algorithms developed to predict the effect of missense changes on protein structure and function (SIFT, PolyPhen-2, Align-GVGD) all suggest that this variant is likely to be disruptive, but these predictions have not been confirmed by published functional studies and their clinical significance is uncertain. In summary, the available evidence is currently insufficient to determine the role of this variant in disease. Therefore, it has been classified as a Variant of Uncertain Significance.

NM_017780.4(CHD7):c.5401C>T (p.His1801Tyr)

Gene: CHD7 (chromodomain helicase DNA binding protein 7; plus strand). Cytogenetic location: 8q12.2.
Variant type: single nucleotide variant.
Coding change: c.5401C>T on transcript NM_017780.4 (MANE Select); coding-DNA position 5401, C replaced by T.
Protein change: p.His1801Tyr; replaces histidine 1801 with tyrosine.
Molecular consequence: missense variant. On other transcripts: intron variant (1).
Genome position (GRCh38, 1-based): chr8:60,849,151, C>T. VCF-style: chr8-60849151-C-T. GRCh37 (hg19) VCF-style: chr8-61761710-C-T.
Other names: c.1717-13078C>T (NM_001316690.1); short protein forms H1801Y.
Identifiers: ClinVar variation 1059018 (VCV001059018.9), dbSNP rs1131692039, ClinGen allele CA371321342.